The following is an entry in ClinVar:

NM_001036.6(RYR3):c.13820A>T (p.Lys4607Met)

Genes: AVEN (apoptosis and caspase activation inhibitor; minus strand), RYR3 (ryanodine receptor 3; plus strand). Cytogenetic location: 15q14.
Variant type: single nucleotide variant.
Coding change: c.13820A>T on transcript NM_001036.6 (MANE Select); coding-DNA position 13820, A replaced by T.
Protein change: p.Lys4607Met; replaces lysine 4607 with methionine.
Molecular consequence: missense variant.
Genome position (GRCh38, 1-based): chr15:33,854,409, A>T. VCF-style: chr15-33854409-A-T. GRCh37 (hg19) VCF-style: chr15-34146610-A-T.
Other names: c.13805A>T, p.Lys4602Met (NM_001243996.4); short protein forms K4602M, K4607M.
Identifiers: ClinVar variation 861863 (VCV000861863.4), dbSNP rs555103509, ClinGen allele CA7461793.

ClinVar aggregate classification (germline): Uncertain significance (1 of 4 stars; one submission).

Conditions:
Epileptic encephalopathy. Identifiers: MedGen C0543888, HP:0200134.

Allele frequency attached by ClinVar (database versions not stated): TOPMed 0.00003; gnomAD 0.00004 and 0.00005; gnomAD exomes 0.00005; ExAC 0.00006; 1000 Genomes Project 0.00020; 1000 Genomes Project 30x 0.00031.
gnomAD v4.1: 21 of 1,575,892 alleles (0.0013%); highest among the groups gnomAD compares: Admixed American, 0.028%; no homozygotes.

Submission:

Labcorp Genetics (formerly Invitae), Labcorp
Classification: Uncertain significance for Epileptic encephalopathy. Last evaluated: 2021-08-26. Review status: criteria provided, single submitter. Criteria: Invitae Variant Classification Sherloc (09022015). Collection method: clinical testing. Allele origin: germline.
Comment: This sequence change replaces lysine with methionine at codon 4607 of the RYR3 protein (p.Lys4607Met). The lysine residue is highly conserved and there is a moderate physicochemical difference between lysine and methionine. This variant is present in population databases (rs555103509, ExAC 0.1%). This variant has not been reported in the literature in individuals affected with RYR3-related conditions. Algorithms developed to predict the effect of missense changes on protein structure and function are either unavailable or do not agree on the potential impact of this missense change (SIFT: "Deleterious"; PolyPhen-2: "Probably Damaging"; Align-GVGD: "Class C0"). In summary, the available evidence is currently insufficient to determine the role of this variant in disease. Therefore, it has been classified as a Variant of Uncertain Significance.